The following is an entry in ClinVar:

NM_001376.5(DYNC1H1):c.962-15dup

Gene: DYNC1H1 (dynein cytoplasmic 1 heavy chain 1; plus strand). Cytogenetic location: 14q32.31.
Variant type: Duplication.
Coding change: c.962-15dup on transcript NM_001376.5 (MANE Select); 15 bases into the intron before coding-DNA position 962, one base duplicated (T; older notation c.962-15dupT).
Molecular consequence: intron variant.
Genome position (GRCh38, 1-based): chr14:101,983,004, T duplicated; the last of 3 consecutive T bases (chr14:101,983,002-101,983,004); duplicating any one gives the same sequence. VCF-style (leftmost placement, unchanged base first): chr14-101983001-C-CT. GRCh37 (hg19) VCF-style: chr14-102449338-C-CT.
Identifiers: ClinVar variation 516950 (VCV000516950.19), dbSNP rs3830914, ClinGen allele CA7351625.

ClinVar aggregate classification (germline): Benign. Review status: criteria provided, multiple submitters, no conflicts (2 of 4 stars). 10 submissions from 7 submitters: Benign (6). 4 of the submissions do not count toward it. Last evaluated 2026-02-03.

Conditions:
Cortical dysplasia, complex, with other brain malformations 13. Also called: Intellectual disability, autosomal dominant 13. Identifiers: MedGen C3281202, MONDO:0013805, OMIM 614563.
Charcot-Marie-Tooth disease axonal type 2O. Also called: CHARCOT-MARIE-TOOTH NEUROPATHY, AXONAL, TYPE 2O; CHARCOT-MARIE-TOOTH DISEASE, AXONAL, AUTOSOMAL DOMINANT, TYPE 2O; Charcot-Marie-Tooth Neuropathy Type 2O; Charcot-Marie-Tooth disease, axonal, type 20. Identifiers: Orphanet 284232, MedGen C3280220, MONDO:0013644, OMIM 614228.
Autosomal dominant childhood-onset proximal spinal muscular atrophy without contractures. Also called: Spinal muscular atrophy, lower extremity-predominant 1, AD; SPINAL MUSCULAR ATROPHY, CHILDHOOD, PROXIMAL, AUTOSOMAL DOMINANT; SPINAL MUSCULAR ATROPHY, JUVENILE, PROXIMAL, AUTOSOMAL DOMINANT; KUGELBERG-WELANDER SYNDROME, AUTOSOMAL DOMINANT. Identifiers: Orphanet 209341, Orphanet 363447, MedGen C5780022, MONDO:0008026, OMIM 158600.
Charcot-Marie-Tooth disease. Also called: Charcot-Marie-Tooth Neuropathy; Charcot-Marie-Tooth Hereditary Neuropathy. Identifiers: Orphanet 166, MedGen C0007959, MONDO:0015626.

Submissions (10):

Labcorp Genetics (formerly Invitae), Labcorp
Classification: Benign for Charcot-Marie-Tooth disease axonal type 2O. Last evaluated: 2026-02-03. Review status: criteria provided, single submitter. Criteria: Invitae Variant Classification Sherloc (09022015). Collection method: clinical testing. Allele origin: germline.

Genome-Nilou Lab
Classification: Benign for Charcot-Marie-Tooth disease axonal type 2O. Last evaluated: 2021-07-30. Review status: criteria provided, single submitter. Criteria: ACMG Guidelines, 2015. Collection method: clinical testing. Allele origin: germline. Affected: no.

Genome-Nilou Lab
Classification: Benign for Cortical dysplasia, complex, with other brain malformations 13. Last evaluated: 2021-07-30. Review status: criteria provided, single submitter. Criteria: ACMG Guidelines, 2015. Collection method: clinical testing. Allele origin: germline. Affected: no.

Genome-Nilou Lab
Classification: Benign for Autosomal dominant childhood-onset proximal spinal muscular atrophy without contractures. Last evaluated: 2021-07-30. Review status: criteria provided, single submitter. Criteria: ACMG Guidelines, 2015. Collection method: clinical testing. Allele origin: germline. Affected: no.

GeneDx
Classification: Benign. Last evaluated: 2015-03-03. Review status: criteria provided, single submitter. Criteria: GeneDx Variant Classification Process June 2021. Collection method: clinical testing. Allele origin: germline. Affected: yes.

Molecular Genetics Laboratory, London Health Sciences Centre
Classification: Benign for Charcot-Marie-Tooth disease. Review status: criteria provided, single submitter. Criteria: ACMG Guidelines, 2015. Collection method: clinical testing. Allele origin: germline. Affected: yes.

Clinical Genetics DNA and cytogenetics Diagnostics Lab, Erasmus MC, Erasmus Medical Center
Classification: Benign. Review status: no assertion criteria provided. Collection method: clinical testing. Allele origin: germline. Affected: yes. Study: VKGL Data-share Consensus. Not counted in ClinVar's aggregate classification.

Clinical Genetics, Academic Medical Center
Classification: Benign. Review status: no assertion criteria provided. Collection method: clinical testing. Allele origin: germline. Affected: yes. Study: VKGL Data-share Consensus. Not counted in ClinVar's aggregate classification.

Diagnostic Laboratory, Department of Genetics, University Medical Center Groningen
Classification: Likely benign. Review status: no assertion criteria provided. Collection method: clinical testing. Allele origin: germline. Affected: yes. Study: VKGL Data-share Consensus. Not counted in ClinVar's aggregate classification.

GeneDx
Classification: Benign. Last evaluated: 2018-03-09. Review status: flagged submission. Criteria: GeneDx Variant Classification (06012015). Collection method: clinical testing. Allele origin: germline. Affected: yes. Not counted in ClinVar's aggregate classification.
Comment: This variant is considered likely benign or benign based on one or more of the following criteria: it is a conservative change, it occurs at a poorly conserved position in the protein, it is predicted to be benign by multiple in silico algorithms, and/or has population frequency not consistent with disease.
ClinVar note: Reason: This record appears to be redundant with a more recent record from the same submitter.
ClinVar note: Notes: SCV000730825 appears to be redundant with SCV001882953.